The following is an entry in ClinVar:

NM_001845.6(COL4A1):c.4756-14C>G

Gene: COL4A1 (collagen type IV alpha 1 chain; minus strand). Cytogenetic location: 13q34.
Variant type: single nucleotide variant.
Coding change: c.4756-14C>G on transcript NM_001845.6 (MANE Select); 14 bases into the intron before coding-DNA position 4756, C replaced by G.
Molecular consequence: intron variant.
Genome position (GRCh38, 1-based): chr13:110,152,520, G>C on the plus strand (C>G on the coding strand, the complement: COL4A1 is on the minus strand). VCF-style: chr13-110152520-G-C. GRCh37 (hg19) VCF-style: chr13-110804867-G-C.
Identifiers: ClinVar variation 4849159 (VCV004849159.1).

ClinVar aggregate classification (germline): Likely benign (1 of 4 stars; one submission).

Submission:

Women's Health and Genetics/Laboratory Corporation of America, LabCorp
Classification: Likely benign. Last evaluated: 2026-04-22. Review status: criteria provided, single submitter. Criteria: LabCorp Variant Classification Summary - May 2015. Collection method: clinical testing. Allele origin: germline.
Comment: Variant summary: COL4A1 c.4756-14C>G alters a nucleotide located at a position not widely known to affect splicing. Consensus agreement among computation tools predict no significant impact on normal splicing. However, these predictions have yet to be confirmed by functional studies. The variant was absent in 237454 control chromosomes. The available data on variant occurrences in the general population are insufficient to allow any conclusion about variant significance. To our knowledge, no occurrence of c.4756-14C>G in individuals affected with COL4A1-related conditions and no experimental evidence demonstrating its impact on protein function have been reported. No submitters have cited clinical-significance assessments for this variant to ClinVar. Based on the evidence outlined above, the variant was classified as likely benign.